The following is an entry in ClinVar:

ClinVar aggregate classification (germline): Conflicting classifications of pathogenicity. Review status: criteria provided, conflicting classifications (1 of 4 stars). 3 submissions from 3 submitters: Uncertain significance (1); Benign (2). Last evaluated 2018-11-20.

Conditions:
Combined immunodeficiency due to ORAI1 deficiency. Also called: IMMUNODEFICIENCY 9. Identifiers: Orphanet 169090, Orphanet 317428, MedGen C2748568, MONDO:0013007, OMIM 612782.
Myopathy, tubular aggregate, 2 (TAM2). Identifiers: MedGen C4014557, MONDO:0014383, OMIM 615883.

Submissions (3):

Labcorp Genetics (formerly Invitae), Labcorp
Classification: Uncertain significance for Myopathy, tubular aggregate, 2; Immune dysfunction with T-cell inactivation due to calcium entry defect 1. Last evaluated: 2018-11-20. Review status: criteria provided, single submitter. Criteria: Invitae Variant Classification Sherloc (09022015). Collection method: clinical testing. Allele origin: germline.
Comment: This variant, c.132_137delACCGCC, results in the deletion of 2 amino acids of the ORAI1 protein (p.Pro46_Pro47del), but otherwise preserves the integrity of the reading frame. This variant is present in population databases (rs781920662, ExAC 0.01%). This variant has not been reported in the literature in individuals with ORAI1-related disease. Experimental studies and prediction algorithms are not available for this variant, and the functional significance of the deleted amino acids is currently unknown. In summary, the available evidence is currently insufficient to determine the role of this variant in disease. Therefore, it has been classified as a Variant of Uncertain Significance.

Laboratory for Molecular Medicine, Mass General Brigham Personalized Medicine
Classification: Benign. Last evaluated: 2016-03-29. Review status: criteria provided, single submitter. Criteria: LMM Criteria. Collection method: clinical testing. Allele origin: germline.
Comment: Variant identified in a genome or exome case(s) and assessed due to predicted null impact of the variant or pathogenic assertions in the literature or databases. Disclaimer: This variant has not undergone full assessment. The following are preliminary notes: MAF

Eurofins Ntd Llc (ga)
Classification: Benign. Last evaluated: 2015-04-03. Review status: criteria provided, single submitter. Criteria: EGL Classification Definitions 2015. Collection method: clinical testing. Allele origin: germline. Observed: 5 variant alleles, 5 homozygotes.

NC_000012.12:g.121626879_121626884delACCGCC

Genes: ORAI1 (ORAI calcium release-activated calcium modulator 1; plus strand), LOC130008987 (ATAC-STARR-seq lymphoblastoid silent region 4981; plus strand). Cytogenetic location: 12q24.31.
Variant type: Deletion.
Genome position: GRCh38 VCF-style: chr12-121626879-ACCGCC-ACCGCC. GRCh37 (hg19) VCF-style: chr12-122064785-ACCGCC-ACCGCC.
Other names: c.132_137ACCGCC=, p.Pro44_Pro46= (NM_032790.4); c.132_137=, p.Pro44_Pro46= (LRG_93t1).
Identifiers: ClinVar variation 193469 (VCV000193469.10).